The following is an entry in ClinVar:

ClinVar aggregate classification (germline): Uncertain significance (1 of 4 stars; one submission).

Conditions:
Heterotopia, periventricular, X-linked dominant (PVNH1). Also called: PERIVENTRICULAR NODULAR HETEROTOPIA 4; HETEROTOPIA, PERIVENTRICULAR, 1; PERIVENTRICULAR NODULAR HETEROTOPIA 1; X-linked periventricular heterotopia. Identifiers: Orphanet 2149, Orphanet 82004, MedGen C1848213, MONDO:0010233, OMIM 300049.
Oto-palato-digital syndrome, type II (OPD2). Also called: Otopalatodigital Syndrome, Type II; FACIOPALATOOSSEOUS SYNDROME; OPD II SYNDROME; Otopalatodigital Syndrome Type 2 (FLNA-OPD2). Identifiers: Orphanet 669, Orphanet 90652, MedGen C1844696, MONDO:0010571, OMIM 304120.
Melnick-Needles syndrome (MNS). Also called: MELNICK-NEEDLES OSTEODYSPLASTY; OSTEODYSPLASTY OF MELNICK AND NEEDLES; Melnick-Needles Syndrome (FLNA-MNS). Identifiers: Orphanet 2484, MedGen C0025237, MONDO:0010650, OMIM 309350.
Frontometaphyseal dysplasia (FMD1). Identifiers: Orphanet 1826, MedGen C0265293, MONDO:0015942.

Submission:

Labcorp Genetics (formerly Invitae), Labcorp
Classification: Uncertain significance for Oto-palato-digital syndrome, type II; Heterotopia, periventricular, X-linked dominant; Frontometaphyseal dysplasia; Melnick-Needles syndrome. Last evaluated: 2025-12-14. Review status: criteria provided, single submitter. Criteria: Invitae Variant Classification Sherloc (09022015). Collection method: clinical testing. Allele origin: germline.
Comment: This sequence change replaces leucine, which is neutral and non-polar, with valine, which is neutral and non-polar, at codon 2611 of the FLNA protein (p.Leu2611Val). This variant is not present in population databases (gnomAD no frequency). This variant has not been reported in the literature in individuals affected with FLNA-related conditions. Invitae Evidence Modeling of protein sequence and biophysical properties (such as structural, functional, and spatial information, amino acid conservation, physicochemical variation, residue mobility, and thermodynamic stability) indicates that this missense variant is not expected to disrupt FLNA protein function with a negative predictive value of 95%. In summary, the available evidence is currently insufficient to determine the role of this variant in disease. Therefore, it has been classified as a Variant of Uncertain Significance.

NM_001110556.2(FLNA):c.7855C>G (p.Leu2619Val)

Genes: FLNA (filamin A; minus strand), LOC107988032 (Xq28 proximal FLNA-EMD recombination region; plus strand). Cytogenetic location: Xq28.
Variant type: single nucleotide variant.
Coding change: c.7855C>G on transcript NM_001110556.2 (MANE Select); coding-DNA position 7855, C replaced by G.
Protein change: p.Leu2619Val; replaces leucine 2619 with valine.
Molecular consequence: missense variant.
Genome position (GRCh38, 1-based): chrX:154,348,938, G>C on the plus strand (C>G on the coding strand, the complement: FLNA is on the minus strand). VCF-style: chrX-154348938-G-C. GRCh37 (hg19) VCF-style: chrX-153577306-G-C.
Other names: c.7831C>G, p.Leu2611Val (NM_001456.4); short protein forms L2619V, L2611V.
Identifiers: ClinVar variation 4789565 (VCV004789565.1).